The following is an entry in ClinVar:

NM_000321.3(RB1):c.1219_1220delinsC (p.Cys407fs)

Gene: RB1 (RB transcriptional corepressor 1; plus strand). Cytogenetic location: 13q14.2.
Variant type: Indel.
Coding change: c.1219_1220delinsC on transcript NM_000321.3 (MANE Select); coding-DNA positions 1219 to 1220, TG replaced by C.
Protein change: p.Cys407fs; shifts the reading frame from cysteine 407.
Molecular consequence: frameshift variant.
Genome position (GRCh38, 1-based): chr13:48,376,921-48,376,922, TG replaced by C. VCF-style: chr13-48376921-TG-C. GRCh37 (hg19) VCF-style: chr13-48951057-TG-C.
Other names: c.1219_1220delinsC, p.Cys407fs (NM_001407165.1, NM_001407166.1); short protein forms C407fs.
Identifiers: ClinVar variation 3236963 (VCV003236963.1), dbSNP rs2542198715.

ClinVar aggregate classification (germline): Pathogenic (1 of 4 stars; one submission).

Conditions:
Retinoblastoma (RB1). Also called: RETINOBLASTOMA, SOMATIC. Identifiers: Orphanet 790, MedGen C0035335, MeSH D012175, MONDO:0008380, OMIM 180200, HP:0009919. Disease mechanism: loss of function. Inheritance: Both sporadic and heritable forms are tested..

Submission:

Genetic Diagnostic Laboratory, University of Pennsylvania School of Medicine
Classification: Pathogenic for Retinoblastoma. Last evaluated: 2024-05-20. Review status: criteria provided, single submitter. Criteria: ACMG Guidelines, 2015. Collection method: clinical testing. Allele origin: germline. Affected: yes. Observed: 1 variant allele.
Comment: Case and Pedigree Information: BILATERAL CASES:1, UNILATERAL CASES:0, TOTAL CASES:1, PEDIGREES:1. ACMG Codes Applied:PVS1, PM2